The following is an entry in ClinVar:

ClinVar aggregate classification (germline): Pathogenic (1 of 4 stars; one submission).

Conditions:
Familial intrahepatic cholestasis. Identifiers: Orphanet 284385, MedGen CN296401, MONDO:0017290.

Submission:

Genomenon, Inc
Classification: Pathogenic for Familial intrahepatic cholestasis. Last evaluated: 2026-04-14. Review status: criteria provided, single submitter. Criteria: Genomenon Sequence Variant Interpretation Standards - Updated. Collection method: curation. Allele origin: germline. Affected: yes.
Comment: ABCB4 c.81-2A>G is a canonical splice variant affecting the acceptor splice site of intron 2. It is predicted to affect mRNA splicing, leading to a deleterious effect on the ABCB4 protein. This variant has been observed in at least one proband with an ABCB4-related disorder (PMID:38343606). It is absent or not present at a significant frequency in gnomAD. In conclusion, we classify ABCB4 c.81-2A>G as a pathogenic variant.

Literature cited by the submitters: PubMed 38343606.

NM_000443.4(ABCB4):c.81-2A>G

Gene: ABCB4 (ATP binding cassette subfamily B member 4; minus strand). Cytogenetic location: 7q21.12.
Variant type: single nucleotide variant.
Coding change: c.81-2A>G on transcript NM_000443.4 (MANE Select); the canonical splice acceptor site of the intron before coding-DNA position 81, A replaced by G.
Molecular consequence: splice acceptor variant.
Genome position (GRCh38, 1-based): chr7:87,472,677, T>C on the plus strand (A>G on the coding strand, the complement: ABCB4 is on the minus strand). VCF-style: chr7-87472677-T-C. GRCh37 (hg19) VCF-style: chr7-87101993-T-C.
Other names: c.81-2A>G (NM_018850.3, NM_018849.3).
Identifiers: ClinVar variation 4846378 (VCV004846378.1).